The following is an entry in ClinVar:

ClinVar aggregate classification (germline): Uncertain significance. Review status: criteria provided, multiple submitters, no conflicts (2 of 4 stars). 3 submissions from 3 submitters: Uncertain significance (3). Last evaluated 2023-05-15.

Conditions:
Epidermolysis bullosa simplex 5B, with muscular dystrophy (EBS5B). Also called: Epidermolysis bullosa simplex with muscular dystrophy; EPIDERMOLYSIS BULLOSA SIMPLEX AND LIMB-GIRDLE MUSCULAR DYSTROPHY. Identifiers: Orphanet 257, MedGen C2931072, MONDO:0009181, OMIM 226670.
Autosomal recessive limb-girdle muscular dystrophy type 2Q (LGMDR17). Also called: MUSCULAR DYSTROPHY, LIMB-GIRDLE, AUTOSOMAL RECESSIVE 17. Identifiers: Orphanet 254361, MedGen C3150989, MONDO:0013390, OMIM 613723.
Epidermolysis bullosa simplex, Ogna type (EBS5A). Also called: Pidermolysis bullosa simplex 5A, Ogna type; EPIDERMOLYSIS BULLOSA SIMPLEX 5A, OGNA TYPE. Identifiers: Orphanet 79401, MedGen C0432317, MONDO:0007555, OMIM 131950.
Epidermolysis bullosa simplex 5C, with pyloric atresia (EBS5C). Also called: Epidermolysis bullosa simplex with pyloric atresia; PLEC-Related Epidermolysis Bullosa with Pyloric Atresia; PLEC1-Related Epidermolysis Bullosa with Pyloric Atresia. Identifiers: Orphanet 158684, MedGen C2677349, MONDO:0012807, OMIM 612138.
Epidermolysis bullosa simplex with nail dystrophy (EBS5D). Identifiers: MedGen C4225309, MONDO:0014661, OMIM 616487.

Allele frequency attached by ClinVar (database versions not stated): gnomAD 0.00001; gnomAD exomes 0.00002; ExAC 0.00003; 1000 Genomes Project 30x 0.00016.
gnomAD v4.1: 31 of 1,599,506 alleles (0.0019%); highest among the groups gnomAD compares: Non-Finnish European, 0.0023%; no homozygotes.

Submissions (3):

Labcorp Genetics (formerly Invitae), Labcorp
Classification: Uncertain significance for Autosomal recessive limb-girdle muscular dystrophy type 2Q; Epidermolysis bullosa simplex, Ogna type; Epidermolysis bullosa simplex with nail dystrophy; Epidermolysis bullosa simplex 5C, with pyloric atresia; Epidermolysis bullosa simplex 5B, with muscular dystrophy. Last evaluated: 2023-05-15. Review status: criteria provided, single submitter. Criteria: Invitae Variant Classification Sherloc (09022015). Collection method: clinical testing. Allele origin: germline.
Comment: An algorithm developed to predict the effect of missense changes on protein structure and function (PolyPhen-2) suggests that this variant is likely to be tolerated. In summary, the available evidence is currently insufficient to determine the role of this variant in disease. Therefore, it has been classified as a Variant of Uncertain Significance. This variant has not been reported in the literature in individuals affected with PLEC-related conditions. This variant is present in population databases (rs781938577, gnomAD 0.006%). This sequence change replaces threonine, which is neutral and polar, with isoleucine, which is neutral and non-polar, at codon 3943 of the PLEC protein (p.Thr3943Ile).

Revvity Omics, Revvity
Classification: Uncertain significance. Last evaluated: 2023-02-09. Review status: criteria provided, single submitter. Criteria: ACMG Guidelines, 2015. Collection method: clinical testing. Allele origin: germline.

Breakthrough Genomics
Classification: Uncertain significance. Review status: criteria provided, single submitter. Criteria: ACMG Guidelines, 2015. Collection method: not provided. Allele origin: germline. Inheritance: Autosomal recessive inheritance. Affected: yes.

NM_201384.3(PLEC):c.11747C>T (p.Thr3916Ile)

Gene: PLEC (plectin; minus strand). Cytogenetic location: 8q24.3.
Variant type: single nucleotide variant.
Coding change: c.11747C>T on transcript NM_201384.3 (MANE Select); coding-DNA position 11747, C replaced by T.
Protein change: p.Thr3916Ile; replaces threonine 3916 with isoleucine.
Molecular consequence: missense variant.
Genome position (GRCh38, 1-based): chr8:143,918,074, G>A on the plus strand (C>T on the coding strand, the complement: PLEC is on the minus strand). VCF-style: chr8-143918074-G-A. GRCh37 (hg19) VCF-style: chr8-144992242-G-A.
Other names: c.11828C>T, p.Thr3943Ile (NM_000445.5); c.8447C>T, p.Thr2816Ile (NM_001410941.1); c.11705C>T, p.Thr3902Ile (NM_201378.4); c.11681C>T, p.Thr3894Ile (NM_201379.3); c.12158C>T, p.Thr4053Ile (NM_201380.4); c.11651C>T, p.Thr3884Ile (NM_201381.3); c.11747C>T, p.Thr3916Ile (NM_201382.4); c.11759C>T, p.Thr3920Ile (NM_201383.3); short protein forms T2816I, T3884I, T3894I, T3902I, T3916I, T3920I, T3943I, T4053I.
Identifiers: ClinVar variation 2689781 (VCV002689781.6), dbSNP rs781938577, ClinGen allele CA4924255.